The following is an entry in ClinVar:

ClinVar aggregate classification (germline): Uncertain significance (1 of 4 stars; one submission).

Conditions:
Familial cancer of breast. Also called: Hereditary breast cancer; BREAST CANCER, FAMILIAL; hereditary breast carcinoma. Identifiers: Orphanet 227535, MedGen C0346153, MONDO:0016419, OMIM 114480. Disease mechanism: loss of function.

Allele frequency attached by ClinVar (database versions not stated): gnomAD exomes below 0.00001.
gnomAD v4.1: 1 of 1,614,040 alleles (0.000062%); no homozygotes.

Submission:

Labcorp Genetics (formerly Invitae), Labcorp
Classification: Uncertain significance for Familial cancer of breast. Last evaluated: 2023-05-18. Review status: criteria provided, single submitter. Criteria: Invitae Variant Classification Sherloc (09022015). Collection method: clinical testing. Allele origin: germline.
Comment: In summary, the available evidence is currently insufficient to determine the role of this variant in disease. Therefore, it has been classified as a Variant of Uncertain Significance. An algorithm developed to predict the effect of missense changes on protein structure and function (PolyPhen-2) suggests that this variant is likely to be disruptive. ClinVar contains an entry for this variant (Variation ID: 1059200). This variant has not been reported in the literature in individuals affected with BARD1-related conditions. This variant is present in population databases (no rsID available, gnomAD 0.01%). This sequence change replaces threonine, which is neutral and polar, with isoleucine, which is neutral and non-polar, at codon 490 of the BARD1 protein (p.Thr490Ile).

NM_000465.4(BARD1):c.1469C>T (p.Thr490Ile)

Gene: BARD1 (BRCA1 associated RING domain 1; minus strand). Cytogenetic location: 2q35.
Variant type: single nucleotide variant.
Coding change: c.1469C>T on transcript NM_000465.4 (MANE Select); coding-DNA position 1469, C replaced by T.
Protein change: p.Thr490Ile; replaces threonine 490 with isoleucine.
Molecular consequence: missense variant. On other transcripts: non-coding transcript variant (3), intron variant (3).
Genome position (GRCh38, 1-based): chr2:214,767,581, G>A on the plus strand (C>T on the coding strand, the complement: BARD1 is on the minus strand). VCF-style: chr2-214767581-G-A. GRCh37 (hg19) VCF-style: chr2-215632305-G-A.
Other names: c.1412C>T, p.Thr471Ile (NM_001282543.2); c.159-15026C>T (NM_001282548.2); c.216-15026C>T (NM_001282545.2); c.364+24716C>T (NM_001282549.2); short protein forms T471I, T490I.
Identifiers: ClinVar variation 1059200 (VCV001059200.8), dbSNP rs1379944646, ClinGen allele CA350448478.
Genomic context (GRCh38, chr2:214,767,581, plus strand): 5'-ACTATATCCACATGCCCATTCTTGGCTGCATCGTGAAGTGGTGAGTCATTTTGATACCCG[G>A]TGGTGTTCACCAATGCCTTATGCTGGAGCAATAATTCCACTACCTTCAGGTGCCCATGAT-3'
Protein context (NP_000456.2, residues 480-500): LLQHKALVNT[Thr490Ile]GYQNDSPLHD